The following is an entry in ClinVar:

NM_016734.3(PAX5):c.907A>G (p.Thr303Ala)

Gene: PAX5 (paired box 5; minus strand). Cytogenetic location: 9p13.2.
Variant type: single nucleotide variant.
Coding change: c.907A>G on transcript NM_016734.3 (MANE Select); coding-DNA position 907, A replaced by G.
Protein change: p.Thr303Ala; replaces threonine 303 with alanine.
Molecular consequence: missense variant. On other transcripts: intron variant (2).
Genome position (GRCh38, 1-based): chr9:36,923,358, T>C on the plus strand (A>G on the coding strand, the complement: PAX5 is on the minus strand). VCF-style: chr9-36923358-T-C. GRCh37 (hg19) VCF-style: chr9-36923355-T-C.
Other names: c.907A>G, p.Thr303Ala (NM_001280547.2, NM_001280548.2, NM_001280552.2); c.583A>G, p.Thr195Ala (NM_001280551.2, NM_001280556.2); c.778A>G, p.Thr260Ala (NM_001280553.2, NM_001280554.2); c.709A>G, p.Thr237Ala (NM_001280555.2); c.780+43191A>G (NM_001280550.2, NM_001280549.2); c.907A>G (NM_016734.2); short protein forms T260A, T237A, T195A, T303A.
Identifiers: ClinVar variation 2255914 (VCV002255914.4), dbSNP rs772637243, ClinGen allele CA5058149.

ClinVar aggregate classification (germline): Uncertain significance. Review status: criteria provided, multiple submitters, no conflicts (2 of 4 stars). 2 submissions from 2 submitters: Uncertain significance (2). Last evaluated 2024-12-07.

Conditions:
Inborn genetic diseases. Identifiers: MedGen C0950123, MeSH D030342.

Allele frequency attached by ClinVar (database versions not stated): ExAC 0.00001; TOPMed 0.00002; gnomAD 0.00003.
gnomAD v4.1: 4 of 1,610,752 alleles (0.00025%); highest among the groups gnomAD compares: African/African-American, 0.0053%; no homozygotes.

Submissions (2):

Ambry Genetics
Classification: Uncertain significance for Inborn genetic diseases. Last evaluated: 2024-12-07. Review status: criteria provided, single submitter. Criteria: Ambry Variant Classification Scheme 2023. Collection method: clinical testing. Allele origin: germline.
Comment: The p.T303A variant (also known as c.907A>G), located in coding exon 7 of the PAX5 gene, results from an A to G substitution at nucleotide position 907. The threonine at codon 303 is replaced by alanine, an amino acid with similar properties. This amino acid position is conserved. In addition, the in silico prediction for this alteration is inconclusive. Based on the available evidence, the clinical significance of this variant remains unclear.

GeneDx
Classification: Uncertain significance. Last evaluated: 2023-06-26. Review status: criteria provided, single submitter. Criteria: GeneDx Variant Classification Process June 2021. Collection method: clinical testing. Allele origin: germline. Affected: yes.
Comment: Not observed at significant frequency in large population cohorts (gnomAD); In silico analysis supports that this missense variant has a deleterious effect on protein structure/function; Has not been previously published as pathogenic or benign to our knowledge